The following is an entry in ClinVar:

NM_004329.3(BMPR1A):c.857A>T (p.Glu286Val)

Gene: BMPR1A (bone morphogenetic protein receptor type 1A; plus strand). Cytogenetic location: 10q23.2.
Variant type: single nucleotide variant.
Coding change: c.857A>T on transcript NM_004329.3 (MANE Select); coding-DNA position 857, A replaced by T.
Protein change: p.Glu286Val; replaces glutamic acid 286 with valine.
Molecular consequence: missense variant.
Genome position (GRCh38, 1-based): chr10:86,917,315, A>T. VCF-style: chr10-86917315-A-T. GRCh37 (hg19) VCF-style: chr10-88677072-A-T.
Other names: c.857A>T, p.Glu286Val (NM_001406568.1, NM_001406569.1, NM_001406570.1 and 19 more transcripts); c.851A>T, p.Glu284Val (NM_001406583.1); c.773A>T, p.Glu258Val (NM_001406584.1, NM_001406585.1, NM_001406586.1 and 2 more transcripts); c.515A>T, p.Glu172Val (NM_001406589.1); c.932A>T, p.Glu311Val (NM_001406559.1); c.905A>T, p.Glu302Val (NM_001406560.1); short protein forms E284V, E172V, E302V, E258V, E286V, E311V.
Identifiers: ClinVar variation 2197213 (VCV002197213.4), dbSNP rs2539605651, ClinGen allele CA377458818.
Genomic context (GRCh38, chr10:86,917,315, plus strand): 5'-CTGAAGAAGCCAGCTGGTTTCGAGAAACAGAAATCTACCAAACTGTGCTAATGCGCCATG[A>T]AAACATACTTGGTGGGTACACACTGATTCAGTCAATTTCATTTTTGACAAGGCTAGTGAG-3'
Protein context (NP_004320.2, residues 276-296): EIYQTVLMRH[Glu286Val]NILGFIAADI

ClinVar aggregate classification (germline): Uncertain significance (1 of 4 stars; one submission).

Conditions:
Juvenile polyposis syndrome (JPS). Identifiers: Orphanet 2929, MedGen C0345893, MONDO:0017380, OMIM 174900.

Submission:

Labcorp Genetics (formerly Invitae), Labcorp
Classification: Uncertain significance for Juvenile polyposis syndrome. Last evaluated: 2023-01-17. Review status: criteria provided, single submitter. Criteria: Invitae Variant Classification Sherloc (09022015). Collection method: clinical testing. Allele origin: germline.
Comment: This sequence change replaces glutamic acid, which is acidic and polar, with valine, which is neutral and non-polar, at codon 286 of the BMPR1A protein (p.Glu286Val). In summary, the available evidence is currently insufficient to determine the role of this variant in disease. Therefore, it has been classified as a Variant of Uncertain Significance. Advanced modeling of protein sequence and biophysical properties (such as structural, functional, and spatial information, amino acid conservation, physicochemical variation, residue mobility, and thermodynamic stability) performed at Invitae indicates that this missense variant is not expected to disrupt BMPR1A protein function. This variant has not been reported in the literature in individuals affected with BMPR1A-related conditions. This variant is not present in population databases (gnomAD no frequency).